The following is an entry in ClinVar:

NM_006766.5(KAT6A):c.5833C>G (p.Gln1945Glu)

Gene: KAT6A (lysine acetyltransferase 6A; minus strand). Cytogenetic location: 8p11.21.
Variant type: single nucleotide variant.
Coding change: c.5833C>G on transcript NM_006766.5 (MANE Select); coding-DNA position 5833, C replaced by G.
Protein change: p.Gln1945Glu; replaces glutamine 1945 with glutamic acid.
Molecular consequence: missense variant.
Genome position (GRCh38, 1-based): chr8:41,932,387, G>C on the plus strand (C>G on the coding strand, the complement: KAT6A is on the minus strand). VCF-style: chr8-41932387-G-C. GRCh37 (hg19) VCF-style: chr8-41789905-G-C.
Other names: short protein forms Q1945E.
Identifiers: ClinVar variation 4530920 (VCV004530920.1).

ClinVar aggregate classification (germline): Uncertain significance (1 of 4 stars; one submission).

gnomAD v4.1: 1 of 1,614,212 alleles (0.000062%); highest among the groups gnomAD compares: Non-Finnish European, 0.000085%; no homozygotes.

Submission:

GeneDx
Classification: Uncertain significance. Last evaluated: 2025-05-15. Review status: criteria provided, single submitter. Criteria: GeneDx Variant Classification Process June 2021. Collection method: clinical testing. Allele origin: germline. Affected: yes.
Comment: Not observed at significant frequency in large population cohorts (gnomAD); In silico analysis suggests that this missense variant does not alter protein structure/function; Has not been previously published as pathogenic or benign to our knowledge